The following is an entry in ClinVar:

ClinVar aggregate classification (germline): Uncertain significance. Review status: criteria provided, multiple submitters, no conflicts (2 of 4 stars). 2 submissions from 2 submitters: Uncertain significance (2). Last evaluated 2025-06-03.

Conditions:
Inborn genetic diseases. Identifiers: MedGen C0950123, MeSH D030342.

gnomAD v4.1: 2 of 1,208,774 alleles (0.00017%); highest among the groups gnomAD compares: Admixed American, 0.0022%; no homozygotes.

Submissions (2):

Ambry Genetics
Classification: Uncertain significance for Inborn genetic diseases. Last evaluated: 2025-06-03. Review status: criteria provided, single submitter. Criteria: Ambry Variant Classification Scheme 2023. Collection method: clinical testing. Allele origin: germline.

Labcorp Genetics (formerly Invitae), Labcorp
Classification: Uncertain significance. Last evaluated: 2025-01-30. Review status: criteria provided, single submitter. Criteria: Invitae Variant Classification Sherloc (09022015). Collection method: clinical testing. Allele origin: germline.
Comment: This sequence change replaces valine, which is neutral and non-polar, with leucine, which is neutral and non-polar, at codon 1079 of the HUWE1 protein (p.Val1079Leu). This variant is not present in population databases (gnomAD no frequency). This variant has not been reported in the literature in individuals affected with HUWE1-related conditions. Invitae Evidence Modeling of protein sequence and biophysical properties (such as structural, functional, and spatial information, amino acid conservation, physicochemical variation, residue mobility, and thermodynamic stability) has been performed for this missense variant. However, the output from this modeling did not meet the statistical confidence thresholds required to predict the impact of this variant on HUWE1 protein function. In summary, the available evidence is currently insufficient to determine the role of this variant in disease. Therefore, it has been classified as a Variant of Uncertain Significance.

NM_031407.7(HUWE1):c.3235G>C (p.Val1079Leu)

Gene: HUWE1 (HECT, UBA and WWE domain containing E3 ubiquitin protein ligase 1; minus strand). Cytogenetic location: Xp11.22.
Variant type: single nucleotide variant.
Coding change: c.3235G>C on transcript NM_031407.7 (MANE Select); coding-DNA position 3235, G replaced by C.
Protein change: p.Val1079Leu; replaces valine 1079 with leucine.
Molecular consequence: missense variant.
Genome position (GRCh38, 1-based): chrX:53,595,332, C>G on the plus strand (G>C on the coding strand, the complement: HUWE1 is on the minus strand). VCF-style: chrX-53595332-C-G. GRCh37 (hg19) VCF-style: chrX-53622292-C-G.
Other names: c.3235G>C (NM_031407.4); short protein forms V1079L.
Identifiers: ClinVar variation 3605324 (VCV003605324.3).
Genomic context (GRCh38, chrX:53,595,332, plus strand): 5'-GCGCGGCAGGTGTCGGTGCTGTAGTGGTGCTGGCAGCATGATGGCTCCTTCTCTGGCGGA[C>G]AGGAGATCCCACACAAAGTTTAACAAGAAGTCCAAATAGCTCAGCAAGTGCTCGGCCTAA-3'
Protein context (NP_113584.3, residues 1069-1089): LLVKLCVGSP[Val1079Leu]RQRRSHHAAS